The following is an entry in ClinVar:

NM_000709.4(BCKDHA):c.1167+1G>C

Gene: BCKDHA (branched chain keto acid dehydrogenase E1 subunit alpha; plus strand). Cytogenetic location: 19q13.2.
Variant type: single nucleotide variant.
Coding change: c.1167+1G>C on transcript NM_000709.4 (MANE Select); the canonical splice donor site of the intron after coding-DNA position 1167, G replaced by C.
Molecular consequence: splice donor variant.
Genome position (GRCh38, 1-based): chr19:41,423,170, G>C. VCF-style: chr19-41423170-G-C. GRCh37 (hg19) VCF-style: chr19-41929075-G-C.
Other names: c.1164+1G>C (NM_001164783.2).
Identifiers: ClinVar variation 969269 (VCV000969269.10), dbSNP rs2039389302, ClinGen allele CA406014325.

ClinVar aggregate classification (germline): Likely pathogenic (1 of 4 stars; one submission).

Conditions:
Maple syrup urine disease (MSUD). Identifiers: Orphanet 511, MedGen C0024776, MeSH D008375, MONDO:0009563. Disease mechanism: loss of function.

Submission:

Labcorp Genetics (formerly Invitae), Labcorp
Classification: Likely pathogenic for Maple syrup urine disease. Last evaluated: 2019-10-01. Review status: criteria provided, single submitter. Criteria: Invitae Variant Classification Sherloc (09022015). Collection method: clinical testing. Allele origin: germline.
Comment: Disruption of this splice site has been observed to be homozygous in an individual affected with maple syrup urine disease (PMID: 26901124). Nucleotide substitutions within the consensus splice site are a relatively common cause of aberrant splicing (PMID: 17576681, 9536098). Algorithms developed to predict the effect of sequence changes on RNA splicing suggest that this variant may disrupt the consensus splice site, but this prediction has not been confirmed by published transcriptional studies. In summary, the currently available evidence indicates that the variant is pathogenic, but additional data are needed to prove that conclusively. Therefore, this variant has been classified as Likely Pathogenic. This variant is not present in population databases (ExAC no frequency). This sequence change affects a donor splice site in the last intron (intron 8) of the BCKDHA gene. While this is not anticipated to result in nonsense mediated decay, it likely alters RNA splicing and results in a disrupted protein product.

Literature cited by the submitters: PubMed 26901124; PubMed 17576681; PubMed 9536098.